The following is an entry in ClinVar:

ClinVar aggregate classification (germline): Conflicting classifications of pathogenicity. Review status: criteria provided, conflicting classifications (1 of 4 stars). 2 submissions from 2 submitters: Likely pathogenic (1); Uncertain significance (1). Last evaluated 2025-01-13.

Conditions:
Hereditary cancer-predisposing syndrome. Also called: Tumor predisposition; Hereditary Cancer Syndrome; Neoplastic Syndromes, Hereditary; Hereditary neoplastic syndrome. Identifiers: Orphanet 140162, MedGen C0027672, MeSH D009386, MONDO:0015356.
Ataxia-telangiectasia syndrome (AT). Also called: Cerebello-oculocutaneous telangiectasia; Immunodeficiency with ataxia telangiectasia; Ataxia-telangiectasia, complementation group D; AT, COMPLEMENTATION GROUP C; Ataxia-telangiectasia, complementation group E; LOUIS-BAR SYNDROME. Identifiers: Orphanet 100, MedGen C0004135, MONDO:0008840, OMIM 208900.

gnomAD v4.1: 1 of 1,565,134 alleles (0.000064%); no homozygotes.

Submissions (2):

Labcorp Genetics (formerly Invitae), Labcorp
Classification: Uncertain significance for Ataxia-telangiectasia syndrome. Last evaluated: 2025-01-13. Review status: criteria provided, single submitter. Criteria: Invitae Variant Classification Sherloc (09022015). Collection method: clinical testing. Allele origin: germline.
Comment: This sequence change replaces aspartic acid, which is acidic and polar, with glycine, which is neutral and non-polar, at codon 1226 of the ATM protein (p.Asp1226Gly). RNA analysis indicates that this missense change induces altered splicing and may result in an absent or altered protein product. This variant is not present in population databases (gnomAD no frequency). This missense change has been observed in individual(s) with mantle cell lymphoma (PMID: 36029002). ClinVar contains an entry for this variant (Variation ID: 453482). Invitae Evidence Modeling of protein sequence and biophysical properties (such as structural, functional, and spatial information, amino acid conservation, physicochemical variation, residue mobility, and thermodynamic stability) indicates that this missense variant is not expected to disrupt ATM protein function with a negative predictive value of 95%. Studies have shown that this missense change results in activation of a cryptic splice site, and produces a non-functional protein and/or introduces a premature termination codon (internal data). In summary, the available evidence is currently insufficient to determine the role of this variant in disease. Therefore, it has been classified as a Variant of Uncertain Significance.

Ambry Genetics
Classification: Likely pathogenic for Hereditary cancer-predisposing syndrome. Last evaluated: 2020-02-15. Review status: criteria provided, single submitter. Criteria: Ambry Variant Classification Scheme 2023. Collection method: clinical testing. Allele origin: germline.
Comment: The c.3677A>G variant (also known as p.D1226G), located in coding exon 24 of the ATM gene, results from an A to G substitution at nucleotide position 3677. The aspartic acid at codon 1226 is replaced by glycine, an amino acid with similar properties. This amino acid position is well conserved in available vertebrate species. In addition, this alteration is predicted to be tolerated by in silico analysis. This nucleotide position is highly conserved in available vertebrate species. Using the BDGP and ESEfinder splice site prediction tools, this alteration is predicted to create a new alternate splice donor site. RNA studies have demonstrated that this alteration results in abnormal splicing in the set of samples tested (Ambry internal data). Based on the majority of available evidence to date, this variant is likely to be pathogenic.

Literature cited by the submitters: PubMed 36029002 (cited by Labcorp Genetics (formerly Invitae), Labcorp).

NM_000051.4(ATM):c.3677A>G (p.Asp1226Gly)

Gene: ATM (ATM serine/threonine kinase; plus strand). Cytogenetic location: 11q22.3.
Variant type: single nucleotide variant.
Coding change: c.3677A>G on transcript NM_000051.4 (MANE Select); coding-DNA position 3677, A replaced by G.
Protein change: p.Asp1226Gly; replaces aspartic acid 1226 with glycine.
Molecular consequence: missense variant.
Genome position (GRCh38, 1-based): chr11:108,282,810, A>G. VCF-style: chr11-108282810-A-G. GRCh37 (hg19) VCF-style: chr11-108153537-A-G.
Other names: c.3677A>G, p.Asp1226Gly (NM_001351834.2); short protein forms D1226G.
Identifiers: ClinVar variation 453482 (VCV000453482.11), dbSNP rs1555092445, ClinGen allele CA382523290.